The following is an entry in ClinVar:

NM_000548.5(TSC2):c.2743-19G>A

Gene: TSC2 (TSC complex subunit 2; plus strand). Cytogenetic location: 16p13.3.
Variant type: single nucleotide variant.
Coding change: c.2743-19G>A on transcript NM_000548.5 (MANE Select); 19 bases into the intron before coding-DNA position 2743, G replaced by A.
Molecular consequence: intron variant.
Genome position (GRCh38, 1-based): chr16:2,076,472, G>A. VCF-style: chr16-2076472-G-A. GRCh37 (hg19) VCF-style: chr16-2126473-G-A.
Other names: c.2743-19G>A (NM_000548.4, NM_001114382.3, NM_021055.3 and 4 more transcripts); c.2632-19G>A (NM_001318827.2); c.2143-19G>A (NM_001318831.2); c.2596-19G>A (NM_001318829.2); c.2776-19G>A (NM_001318832.2).
Identifiers: ClinVar variation 378785 (VCV000378785.12), dbSNP rs539121865, ClinGen allele CA041606.

ClinVar aggregate classification (germline): Benign/Likely benign. Review status: criteria provided, multiple submitters, no conflicts (2 of 4 stars). 5 submissions from 5 submitters: Benign (3); Likely benign (2). Last evaluated 2026-01-20.

Conditions:
Tuberous sclerosis 2 (TSC2). Identifiers: Orphanet 805, MedGen C1860707, MONDO:0013199, OMIM 613254.

Allele frequency attached by ClinVar (database versions not stated): TOPMed 0.00002; ExAC 0.00030; 1000 Genomes Project 30x 0.00031; 1000 Genomes Project 0.00040.
gnomAD v4.1: 195 of 1,613,074 alleles (0.012%); highest among the groups gnomAD compares: South Asian, 0.2%; 1 homozygote.

Submissions (5):

Labcorp Genetics (formerly Invitae), Labcorp
Classification: Benign for Tuberous sclerosis 2. Last evaluated: 2026-01-20. Review status: criteria provided, single submitter. Criteria: Invitae Variant Classification Sherloc (09022015). Collection method: clinical testing. Allele origin: germline.

KCCC/NGS Laboratory, Kuwait Cancer Control Center
Classification: Benign for Tuberous sclerosis 2. Last evaluated: 2025-02-01. Review status: criteria provided, single submitter. Criteria: ACMG Guidelines, 2015. Collection method: clinical testing. Allele origin: germline. Affected: no.

Myriad Genetics, Inc.
Classification: Likely benign for Tuberous sclerosis 2. Last evaluated: 2024-08-13. Review status: criteria provided, single submitter. Criteria: Myriad Autosomal Dominant, Autosomal Recessive and X-Linked Classification Criteria (2023). Collection method: clinical testing. Allele origin: unknown.
Comment: This variant is considered likely benign. This variant is intronic and is not expected to impact mRNA splicing. This variant has been observed at a population frequency that is significantly greater than expected given the associated disease prevalence and penetrance.

Blueprint Genetics
Classification: Likely benign. Last evaluated: 2024-05-16. Review status: criteria provided, single submitter. Criteria: ACMG Guidelines, 2015. Collection method: clinical testing. Allele origin: germline.

GeneDx
Classification: Benign. Last evaluated: 2015-05-20. Review status: criteria provided, single submitter. Criteria: GeneDx Variant Classification (06012015). Collection method: clinical testing. Allele origin: germline. Affected: yes.
Comment: This variant is considered likely benign or benign based on one or more of the following criteria: it is a conservative change, it occurs at a poorly conserved position in the protein, it is predicted to be benign by multiple in silico algorithms, and/or has population frequency not consistent with disease.